The following is an entry in ClinVar:

ClinVar aggregate classification (germline): Uncertain significance (1 of 4 stars; one submission).

Conditions:
Inborn genetic diseases. Identifiers: MedGen C0950123, MeSH D030342.

Submission:

Ambry Genetics
Classification: Uncertain significance for Inborn genetic diseases. Last evaluated: 2021-12-08. Review status: criteria provided, single submitter. Criteria: Ambry Variant Classification Scheme 2023. Collection method: clinical testing. Allele origin: germline.
Comment: The p.H2160Y variant (also known as c.6478C>T), located in coding exon 44 of the LRRK2 gene, results from a C to T substitution at nucleotide position 6478. The histidine at codon 2160 is replaced by tyrosine, an amino acid with similar properties. This amino acid position is conserved. In addition, this alteration is predicted to be tolerated by in silico analysis. Since supporting evidence is limited at this time, the clinical significance of this alteration remains unclear.

NM_198578.4(LRRK2):c.6478C>T (p.His2160Tyr)

Gene: LRRK2 (leucine rich repeat kinase 2; plus strand). Cytogenetic location: 12q12.
Variant type: single nucleotide variant.
Coding change: c.6478C>T on transcript NM_198578.4 (MANE Select); coding-DNA position 6478, C replaced by T.
Protein change: p.His2160Tyr; replaces histidine 2160 with tyrosine.
Molecular consequence: missense variant.
Genome position (GRCh38, 1-based): chr12:40,351,635, C>T. VCF-style: chr12-40351635-C-T. GRCh37 (hg19) VCF-style: chr12-40745437-C-T.
Other names: short protein forms H2160Y.
Identifiers: ClinVar variation 1753734 (VCV001753734.2), dbSNP rs2499981866, ClinGen allele CA384406919.